The following is an entry in ClinVar:

ClinVar aggregate classification (germline): Uncertain significance. Review status: criteria provided, multiple submitters, no conflicts (2 of 4 stars). 3 submissions from 3 submitters: Uncertain significance (3). Last evaluated 2026-05-04.

Conditions:
Charcot-Marie-Tooth disease type 2. Also called: Charcot-Marie-Tooth type 2. Identifiers: Orphanet 64746, MedGen C0270914, MONDO:0018993.

gnomAD v4.1: 8 of 1,614,066 alleles (0.0005%); highest among the groups gnomAD compares: Non-Finnish European, 0.00068%; no homozygotes.

Submissions (3):

Women's Health and Genetics/Laboratory Corporation of America, LabCorp
Classification: Uncertain significance. Last evaluated: 2026-05-04. Review status: criteria provided, single submitter. Criteria: LabCorp Variant Classification Summary - May 2015. Collection method: clinical testing. Allele origin: germline.
Comment: Variant summary: KIF1B c.1051A>G (p.Asn351Asp) results in a conservative amino acid change in the encoded protein sequence. Algorithms developed to predict the effect of missense changes on protein structure and function are either unavailable or do not agree on the potential impact of this missense change. The variant allele was found at a frequency of 1.6e-05 in 251324 control chromosomes. The available data on variant occurrences in the general population are insufficient to allow any conclusion about variant significance. To our knowledge, no occurrence of c.1051A>G in individuals affected with KIF1B-related conditions and no experimental evidence demonstrating its impact on protein function have been reported. ClinVar contains an entry for this variant (Variation ID: 3533865). Based on the evidence outlined above, the variant was classified as uncertain significance.

Labcorp Genetics (formerly Invitae), Labcorp
Classification: Uncertain significance for Charcot-Marie-Tooth disease type 2. Last evaluated: 2025-05-15. Review status: criteria provided, single submitter. Criteria: Invitae Variant Classification Sherloc (09022015). Collection method: clinical testing. Allele origin: germline.
Comment: This sequence change replaces asparagine, which is neutral and polar, with aspartic acid, which is acidic and polar, at codon 351 of the KIF1B protein (p.Asn351Asp). This variant is present in population databases (rs770156899, gnomAD 0.004%). This variant has not been reported in the literature in individuals affected with KIF1B-related conditions. ClinVar contains an entry for this variant (Variation ID: 3533865). Invitae Evidence Modeling of protein sequence and biophysical properties (such as structural, functional, and spatial information, amino acid conservation, physicochemical variation, residue mobility, and thermodynamic stability) indicates that this missense variant is not expected to disrupt KIF1B protein function with a negative predictive value of 80%. In summary, the available evidence is currently insufficient to determine the role of this variant in disease. Therefore, it has been classified as a Variant of Uncertain Significance.

Ambry Genetics
Classification: Uncertain significance. Last evaluated: 2024-08-13. Review status: criteria provided, single submitter. Criteria: Ambry Variant Classification Scheme 2023. Collection method: clinical testing. Allele origin: germline.
Comment: The p.N351D variant (also known as c.1051A>G), located in coding exon 11 of the KIF1B gene, results from an A to G substitution at nucleotide position 1051. The asparagine at codon 351 is replaced by aspartic acid, an amino acid with highly similar properties. This amino acid position is highly conserved in available vertebrate species. In addition, the in silico prediction for this alteration is inconclusive. The evidence for this gene-disease relationship is limited; therefore, the clinical significance of this alteration is unclear.

NM_001365951.3(KIF1B):c.1069A>G (p.Asn357Asp)

Gene: KIF1B (kinesin family member 1B; plus strand). Cytogenetic location: 1p36.22.
Variant type: single nucleotide variant.
Coding change: c.1069A>G on transcript NM_001365951.3 (MANE Select); coding-DNA position 1069, A replaced by G.
Protein change: p.Asn357Asp; replaces asparagine 357 with aspartic acid.
Molecular consequence: missense variant.
Genome position (GRCh38, 1-based): chr1:10,278,017, A>G. VCF-style: chr1-10278017-A-G. GRCh37 (hg19) VCF-style: chr1-10338075-A-G.
Other names: c.1069A>G, p.Asn357Asp (NM_001365952.1); c.1051A>G, p.Asn351Asp (NM_001365953.1, NM_015074.3, NM_183416.4); short protein forms N351D, N357D.
Identifiers: ClinVar variation 3533865 (VCV003533865.4).